The following is an entry in ClinVar:

ClinVar aggregate classification (germline): Uncertain significance (1 of 4 stars; one submission).

Conditions:
Neuronal ceroid lipofuscinosis. Also called: Neuronal Ceroid Lipofuscinoses. Identifiers: Orphanet 216, Orphanet 79263, MedGen C0027877, MONDO:0016295. Disease mechanism: loss of function.

Allele frequency attached by ClinVar (database versions not stated): gnomAD exomes below 0.00001; ExAC 0.00003.

Submission:

Labcorp Genetics (formerly Invitae), Labcorp
Classification: Uncertain significance for Neuronal ceroid lipofuscinosis. Last evaluated: 2024-10-29. Review status: criteria provided, single submitter. Criteria: Invitae Variant Classification Sherloc (09022015). Collection method: clinical testing. Allele origin: germline.
Comment: This sequence change replaces serine, which is neutral and polar, with proline, which is neutral and non-polar, at codon 11 of the CLN5 protein (p.Ser11Pro). The frequency data for this variant in the population databases is considered unreliable, as metrics indicate poor data quality at this position in the gnomAD database. This variant has not been reported in the literature in individuals affected with CLN5-related conditions. ClinVar contains an entry for this variant (Variation ID: 1010412). An algorithm developed to predict the effect of missense changes on protein structure and function (PolyPhen-2) suggests that this variant is likely to be disruptive. In summary, the available evidence is currently insufficient to determine the role of this variant in disease. Therefore, it has been classified as a Variant of Uncertain Significance.

NC_000013.11:g.76991982T>C

Gene: CLN5 (CLN5 lysosomal BMP synthase; plus strand). Cytogenetic location: 13q22.3.
Variant type: single nucleotide variant.
Genome position: GRCh38 VCF-style: chr13-76991982-T-C. GRCh37 (hg19) VCF-style: chr13-77566117-T-C.
Identifiers: ClinVar variation 1010412 (VCV001010412.9), dbSNP rs755587208, ClinGen allele CA7007070.
Genomic context (GRCh38, chr13:76,991,982, plus strand): 5'-GCCGCCGCGGGCCGGGCGCGGGGAGGTGTCATGCGCCGGAACCTGCGCTTGGGGCCAAGC[T>C]CTGGAGCTGACGCGCAGGGGCAAGGCGCCCCGCGTCCCGGACTGGCGGCTCCGCGCATGC-3'